The following is an entry in ClinVar:

ClinVar aggregate classification (germline): Conflicting classifications of pathogenicity. Review status: criteria provided, conflicting classifications (1 of 4 stars). 7 submissions from 7 submitters: Uncertain significance (2); Benign (2); Likely benign (1). 2 of the submissions do not count toward it. Last evaluated 2026-01-28.

Conditions:
Encephalomyopathy with respiratory failure and lactic acidosis.
TSFM-related disorder. Also called: TSFM-related condition.
Fatal mitochondrial disease due to combined oxidative phosphorylation defect type 3. Also called: Combined oxidative phosphorylation deficiency 3; ENCEPHALOMYOPATHY, RESPIRATORY FAILURE, AND LACTIC ACIDOSIS. Identifiers: Orphanet 168566, MedGen C1864840, MONDO:0012512, OMIM 610505.

Allele frequency attached by ClinVar (database versions not stated): 1000 Genomes Project 0.00020; 1000 Genomes Project 30x 0.00031; gnomAD exomes 0.00047 and 0.00093; gnomAD 0.00058 and 0.00060; ESP Exome Variant Server 0.00062; TOPMed 0.00084; ExAC 0.00085.
gnomAD v4.1: 823 of 1,603,292 alleles (0.051%); highest among the groups gnomAD compares: Admixed American, 0.12%; 6 homozygotes.

Submissions (7):

Labcorp Genetics (formerly Invitae), Labcorp
Classification: Benign. Last evaluated: 2026-01-28. Review status: criteria provided, single submitter. Criteria: Invitae Variant Classification Sherloc (09022015). Collection method: clinical testing. Allele origin: germline.

GeneDx
Classification: Uncertain significance. Last evaluated: 2025-10-22. Review status: criteria provided, single submitter. Criteria: GeneDx Variant Classification Process June 2021. Collection method: clinical testing. Allele origin: germline. Affected: yes.
Comment: In silico analysis supports that this missense variant has a deleterious effect on protein structure/function; Identified in a cohort of patients suspected of a mitochondrial disease (PMID: 38465286); This variant is associated with the following publications: (PMID: 38465286)

Mayo Clinic Laboratories, Mayo Clinic
Classification: Benign. Last evaluated: 2024-06-14. Review status: criteria provided, single submitter. Criteria: ACMG Guidelines, 2015. Collection method: clinical testing. Allele origin: germline. Observed: 4 variant alleles.
Comment: BA1, BS2

Blueprint Genetics
Classification: Likely benign. Last evaluated: 2024-04-02. Review status: criteria provided, single submitter. Criteria: ACMG Guidelines, 2015. Collection method: clinical testing. Allele origin: germline.

Illumina Laboratory Services, Illumina
Classification: Uncertain significance for Fatal mitochondrial disease due to combined oxidative phosphorylation defect type 3. Last evaluated: 2018-01-13. Review status: criteria provided, single submitter. Criteria: ICSL Variant Classification Criteria 13 December 2019. Collection method: clinical testing. Allele origin: germline.

Natera, Inc.
Classification: Benign for Encephalomyopathy with respiratory failure and lactic acidosis. Last evaluated: 2020-07-15. Review status: no assertion criteria provided. Collection method: clinical testing. Allele origin: germline. Not counted in ClinVar's aggregate classification.

PreventionGenetics, part of Exact Sciences
Classification: Likely benign for TSFM-related condition. Last evaluated: 2019-07-12. Review status: no assertion criteria provided. Collection method: clinical testing. Allele origin: germline. Not counted in ClinVar's aggregate classification.
Comment: This variant is classified as likely benign based on ACMG/AMP sequence variant interpretation guidelines (Richards et al. 2015 PMID: 25741868, with internal and published modifications).

NM_005726.6(TSFM):c.760C>T (p.Arg254Cys)

Gene: TSFM (Ts translation elongation factor, mitochondrial; plus strand). Cytogenetic location: 12q14.1.
Variant type: single nucleotide variant.
Coding change: c.760C>T on transcript NM_005726.6 (MANE Select); coding-DNA position 760, C replaced by T.
Protein change: p.Arg254Cys; replaces arginine 254 with cysteine.
Molecular consequence: missense variant. On other transcripts: 3 prime UTR variant (1), intron variant (1).
Genome position (GRCh38, 1-based): chr12:57,796,365, C>T. VCF-style: chr12-57796365-C-T. GRCh37 (hg19) VCF-style: chr12-58190148-C-T.
Other names: p.Arg275Cys; c.823C>T, p.Arg275Cys (NM_001172696.2); c.*168C>T (NM_001172695.2); c.571+3292C>T (NM_001172697.2); short protein forms R275C, R254C.
Identifiers: ClinVar variation 310018 (VCV000310018.24), dbSNP rs200132571, ClinGen allele CA6659439.